The following is an entry in ClinVar:

ClinVar aggregate classification (germline): risk factor. Review status: criteria provided, single submitter (1 of 4 stars). 3 submissions from 3 submitters: risk factor (1). 2 of the submissions do not count toward it. Last evaluated 2020-03-04.

Conditions:
Focal segmental glomerulosclerosis 4, susceptibility to (FSGS4). Identifiers: Orphanet 84271, MedGen C2675525, MONDO:0012931, OMIM 612551.
Hyalinosis, Segmental Glomerular. Identifiers: MedGen C0086432, MeSH D005923.
Focal segmental glomerulosclerosis, susceptibility to.

Submissions (3):

Laboratory for Molecular Medicine, Mass General Brigham Personalized Medicine
Classification: risk factor for Hyalinosis, Segmental Glomerular. Last evaluated: 2020-03-04. Review status: criteria provided, single submitter. Criteria: LMM Criteria. Collection method: clinical testing. Allele origin: germline. Observed: 29 variant alleles.
Comment: APOL1 c.[1024A>G;1152T>G] (p.[Ser342Gly;Ile384Met]), traditionally referred to as G1, has been associated with increased risk for multiple renal diseases in African Americans, particularly focal segmental glomerulosclerosis (FSGS), as well as an increased risk for end-stage kidney disease (ESKD). This variant is common in individuals of African ancestry (23%, Genome Aggregation Database (gnomAD); rs73885319 and rs60910145) and is present in ClinVar (ID: 6080). Several small case-control studies have reported odds ratios between 9.66-47.4 for developing FSGS/HIVAN in homozygous individuals (OR=47.4 [95% CI 11.9-231.5] for HIVAN and OR=23.2 [95% CI 12-46.7] for FSGS Kopp 2011, OR=9.66 [95% CI not given, P<0.00001] Limou 2015). In vitro and in vivo studies provide evidence that these alleles impact protein function (Beckerman 2017, Hayek 2017). In summary, this variant is an established risk factor for chronic kidney disease in homozygous state.

OMIM
Classification: risk factor for FOCAL SEGMENTAL GLOMERULOSCLEROSIS 4, SUSCEPTIBILITY TO. Last evaluated: 2010-08-13. Review status: no assertion criteria provided. Collection method: literature only. Allele origin: germline. Not counted in ClinVar's aggregate classification.

Department of Pathology and Laboratory Medicine, Sinai Health System
Classification: Established risk allele for Focal segmental glomerulosclerosis, susceptibility to. Review status: no assertion criteria provided. Collection method: research. Allele origin: unknown. Not counted in ClinVar's aggregate classification.
Comment: The APOL1 c.[1024A>G;1152T>G]; p.[Ser342Gly;Ile384Met] (ALIAS: c.[1072A>G; 1200T>G]; p.[Ser358Gly; Ile400Met]) variant, otherwise known as the G1 allele/haplotype, has been associated with increased risk for multiple renal diseases in African Americans, particularly focal segmental glomerulosclerosis (FSGS), as well as an increased risk for end-stage kidney disease (ESKD). This variant is common in individuals of African ancestry (23%, Genome Aggregation Database (gnomAD); rs73885319 and rs60910145) and is present in ClinVar (ID: 6080). Several small case-control studies have reported odds ratios (ORs) between 9.66-47.4 for developing FSGS/HIV-associated nephropathy (HIVAN) in homozygous individuals (OR=47.4 [95% CI 11.9-231.5] for HIVAN and OR=23.2 [95% CI 12-46.7] for FSGS (Kopp_2011_21997394), OR=9.66 [95% CI not given, P<0.00001] (Limou_2015_25993319)). In a recessive model, individuals carrying any combination of two APOL1 risk alleles had 89-fold higher odds (95% confidence interval, 18 to 912; P<0.001) of developing HIV-associated nephropathy compared with HIV-positive controls (Kasembeli_2015_25788523). More evidence is available in the literature demonstrating an increased odds ratio of various (but not all) kidney and glomerular diseases in persons carrying two of the risk alleles, i.e. G1/G1, G2/G2 and compound heterozygous G1/G2 (PMID: 25100047, 25788523, 21997394, 23766536, 24504811, 23520206, 24731740, 32561682, 33576823, 34352311, 34670811). Mechanistically, the G1 and G2 variants appear to act as gain-of-function, increasing APOL1 channel activity (PMID: 33380423, 32427098) and APOL1-mediated cytotoxicity (PMID: 26091559, 26699492, 32427098, 24899058, 26089538). In vitro and in vivo studies provide evidence that these alleles impact protein function (Beckerman 2017, Hayek 2017). In summary, the presence of two copies of the APOL1 risk variants G1 and/or G2 (ClinVar Variation IDs: 6080 and 6081) is definitively associated with an increased susceptibility to multiple glomerular and hypertensive kidney diseases, most prominently FSGS and HIVAN (OMIM:612551). The preferred disease name suggested for this grouping of disorders is ‘Glomerulopathy, susceptibility - APOL1’. (Adapted from: Laboratory for Molecular Medicine, Mass General Brigham Personalized Medicine; Accession: SCV001365522.1 AND ClinGen: APOL1 - focal segmental glomerulosclerosis 4, susceptibility to). In summary, based on the above information the clinical significance of this variant cannot be determined with certainty at this time although we would lean towards a more pathogenic role for this variant. This variant meets our laboratory's criteria to be classified as a likely pathogenic - risk factor in association with susceptibility to focal segmental glomerulosclerosis when present in the homozygous or compound heterozygous (with G2 allele) state.

Literature cited by the submitters: PubMed 28650456 (cited by Laboratory for Molecular Medicine, Mass General Brigham Personalized Medicine); PubMed 25993319 (cited by Laboratory for Molecular Medicine, Mass General Brigham Personalized Medicine); PubMed 21997394 (cited by Laboratory for Molecular Medicine, Mass General Brigham Personalized Medicine); PubMed 28218918 (cited by Laboratory for Molecular Medicine, Mass General Brigham Personalized Medicine); PubMed 24206458 (cited by Laboratory for Molecular Medicine, Mass General Brigham Personalized Medicine); PubMed 20668430 (cited by Laboratory for Molecular Medicine, Mass General Brigham Personalized Medicine); PubMed 20647424 (cited by OMIM).

NM_003661.3(APOL1):c.[1024A>G;1152T>G]

Variant type: Haplotype.
Identifiers: ClinVar variation 6080 (VCV000006080.5).